The following is an entry in ClinVar:

NM_000138.5(FBN1):c.4777del (p.Glu1593fs)

Gene: FBN1 (fibrillin 1; minus strand). Cytogenetic location: 15q21.1.
Variant type: Deletion.
Coding change: c.4777del on transcript NM_000138.5 (MANE Select); coding-DNA position 4777, one base deleted (G; older notation c.4777delG).
Protein change: p.Glu1593fs; shifts the reading frame from glutamic acid 1593.
Molecular consequence: frameshift variant.
Genome position (GRCh38, 1-based): chr15:48,465,829, C deleted on the plus strand (G on the coding strand, the reverse complement: FBN1 is on the minus strand); the first of 4 consecutive C bases (chr15:48,465,829-48,465,832); deleting any one gives the same sequence. VCF-style (leftmost placement, unchanged base first): chr15-48465828-TC-T. GRCh37 (hg19) VCF-style: chr15-48758025-TC-T.
Other names: short protein forms E1593fs.
Identifiers: ClinVar variation 1075798 (VCV001075798.7), dbSNP rs2141269976, ClinGen allele CA2499222987.
Genomic context (GRCh38, chr15:48,465,828, plus strand): 5'-AAGACAAAGGAAACACAATTACCTTCCAATATAACGGTGATAGGATTTGGTCGGAAACCT[TC>T]CCCTCCAGGACAAAGAATTTTGTACTCGGCTATTGAAACAAAAATTCAAATTGAGTTGTT-3'

ClinVar aggregate classification (germline): Pathogenic (1 of 4 stars; one submission).

Conditions:
Familial thoracic aortic aneurysm and aortic dissection (TAAD). Also called: Thoracic aortic aneurysms and dissections. Identifiers: Orphanet 91387, MedGen C4707243, MONDO:0019625.
Marfan syndrome (MFS). Also called: Marfan syndrome type 1; Marfan's syndrome; Marfan syndrome, classic; MARFAN SYNDROME, TYPE I; FBN1-Related Marfan Syndrome. Identifiers: Orphanet 284963, Orphanet 558, MedGen C0024796, MONDO:0007947, OMIM 154700.

Submission:

Labcorp Genetics (formerly Invitae), Labcorp
Classification: Pathogenic for Marfan syndrome; Familial thoracic aortic aneurysm and aortic dissection. Last evaluated: 2020-02-04. Review status: criteria provided, single submitter. Criteria: Invitae Variant Classification Sherloc (09022015). Collection method: clinical testing. Allele origin: germline.
Comment: Loss-of-function variants in FBN1 are known to be pathogenic (PMID: 17657824, 19293843). For these reasons, this variant has been classified as Pathogenic. This variant has not been reported in the literature in individuals with FBN1-related conditions. This variant is not present in population databases (ExAC no frequency). This sequence change creates a premature translational stop signal (p.Glu1593Lysfs*47) in the FBN1 gene. It is expected to result in an absent or disrupted protein product.

Literature cited by the submitters: PubMed 17657824; PubMed 19293843.